The following is an entry in ClinVar:

ClinVar aggregate classification (germline): Likely pathogenic (1 of 4 stars; one submission).

Conditions:
Deficiency of butyryl-CoA dehydrogenase (ACADSD). Also called: ACYL-CoA DEHYDROGENASE, SHORT-CHAIN, DEFICIENCY OF; ACADS DEFICIENCY; SCADH DEFICIENCY; SCAD DEFICIENCY, MILD; SCAD Deficiency; Short-Chain Acyl-CoA Dehydrogenase Deficiency. Identifiers: Orphanet 26792, MedGen C0342783, MONDO:0008722, OMIM 201470. Disease mechanism: May be benign.

Submission:

Labcorp Genetics (formerly Invitae), Labcorp
Classification: Likely pathogenic for Deficiency of butyryl-CoA dehydrogenase. Last evaluated: 2022-09-02. Review status: criteria provided, single submitter. Criteria: Invitae Variant Classification Sherloc (09022015). Collection method: clinical testing. Allele origin: unknown.
Comment: In summary, the currently available evidence indicates that the variant is pathogenic, but additional data are needed to prove that conclusively. Therefore, this variant has been classified as Likely Pathogenic. This variant has not been reported in the literature in individuals affected with ACADS-related conditions. This variant results in the deletion of part of exon 5 of the ACADS gene. It is expected to disrupt RNA splicing. Variants that disrupt the donor or acceptor splice site typically lead to a loss of protein function (PMID: 16199547), and loss-of-function variants in ACADS are known to be pathogenic (PMID: 12736383, 18523805).

Literature cited by the submitters: PubMed 16199547; PubMed 12736383; PubMed 18523805.

NC_000012.11:g.(?_121175482)_(121175653_?)del

Gene: ACADS (acyl-CoA dehydrogenase short chain; plus strand). Cytogenetic location: 12q24.31.
Variant type: Deletion.
Identifiers: ClinVar variation 3244261 (VCV003244261.1).